The following is an entry in ClinVar:

ClinVar aggregate classification (germline): Uncertain significance (1 of 4 stars; one submission).

Conditions:
Familial focal epilepsy with variable foci (FPEVF). Identifiers: Orphanet 98820, MedGen C1858477, MONDO:0020310.

Submission:

Labcorp Genetics (formerly Invitae), Labcorp
Classification: Uncertain significance for Familial focal epilepsy with variable foci. Last evaluated: 2025-03-30. Review status: criteria provided, single submitter. Criteria: Invitae Variant Classification Sherloc (09022015). Collection method: clinical testing. Allele origin: germline.
Comment: This sequence change replaces asparagine, which is neutral and polar, with serine, which is neutral and polar, at codon 88 of the DEPDC5 protein (p.Asn88Ser). This variant is not present in population databases (gnomAD no frequency). This variant has not been reported in the literature in individuals affected with DEPDC5-related conditions. Experimental studies and prediction algorithms are not available or were not evaluated, and the functional significance of this variant is currently unknown. In summary, the available evidence is currently insufficient to determine the role of this variant in disease. Therefore, it has been classified as a Variant of Uncertain Significance.

NM_001242896.3(DEPDC5):c.263A>G (p.Asn88Ser)

Gene: DEPDC5 (DEP domain containing 5, GATOR1 subcomplex subunit; plus strand). Cytogenetic location: 22q12.2.
Variant type: single nucleotide variant.
Coding change: c.263A>G on transcript NM_001242896.3 (MANE Select); coding-DNA position 263, A replaced by G.
Protein change: p.Asn88Ser; replaces asparagine 88 with serine.
Molecular consequence: missense variant. On other transcripts: non-coding transcript variant (5).
Genome position (GRCh38, 1-based): chr22:31,765,044, A>G. VCF-style: chr22-31765044-A-G. GRCh37 (hg19) VCF-style: chr22-32161030-A-G.
Other names: c.263A>G, p.Asn88Ser (NM_001007188.4, NM_001136029.4, NM_001242897.2 and 9 more transcripts); short protein forms N88S.
Identifiers: ClinVar variation 4716304 (VCV004716304.1).